The following is an entry in ClinVar:

ClinVar aggregate classification (germline): Uncertain significance (1 of 4 stars; one submission).

Submission:

GeneDx
Classification: Uncertain significance. Last evaluated: 2026-03-25. Review status: criteria provided, single submitter. Criteria: GeneDx Variant Classification Process June 2021. Collection method: clinical testing. Allele origin: germline.
Comment: Not observed at significant frequency in large population cohorts (gnomAD); In silico analysis supports a deleterious effect on splicing; This variant is associated with the following publications: (PMID: 33504798, 35982159, 33057194)

NM_004493.3(HSD17B10):c.579G>A (p.Val193=)

Gene: HSD17B10 (hydroxysteroid 17-beta dehydrogenase 10; minus strand). Cytogenetic location: Xp11.22.
Variant type: single nucleotide variant.
Coding change: c.579G>A on transcript NM_004493.3 (MANE Select); coding-DNA position 579, G replaced by A.
Protein change: p.Val193=; no amino-acid change (valine 193 retained).
Molecular consequence: synonymous variant. On other transcripts: intron variant (1).
Genome position (GRCh38, 1-based): chrX:53,431,814, C>T on the plus strand (G>A on the coding strand, the complement: HSD17B10 is on the minus strand). VCF-style: chrX-53431814-C-T. GRCh37 (hg19) VCF-style: chrX-53458762-C-T.
Other names: c.568+11G>A (NM_001037811.2).
Identifiers: ClinVar variation 5016763 (VCV005016763.1).